The following is an entry in ClinVar:

NM_000400.4(ERCC2):c.2209T>A (p.Ser737Thr)

Gene: ERCC2 (ERCC excision repair 2, TFIIH core complex helicase subunit; minus strand). Cytogenetic location: 19q13.32.
Variant type: single nucleotide variant.
Coding change: c.2209T>A on transcript NM_000400.4 (MANE Select); coding-DNA position 2209, T replaced by A.
Protein change: p.Ser737Thr; replaces serine 737 with threonine.
Molecular consequence: missense variant.
Genome position (GRCh38, 1-based): chr19:45,351,703, A>T on the plus strand (T>A on the coding strand, the complement: ERCC2 is on the minus strand). VCF-style: chr19-45351703-A-T. GRCh37 (hg19) VCF-style: chr19-45854961-A-T.
Other names: short protein forms S737T.
Identifiers: ClinVar variation 3231681 (VCV003231681.1), dbSNP rs1568530343, ClinGen allele CA406360546.

ClinVar aggregate classification (germline): Uncertain significance (1 of 4 stars; one submission).

Conditions:
Inborn genetic diseases. Identifiers: MedGen C0950123, MeSH D030342.

Submission:

Ambry Genetics
Classification: Uncertain significance for Inborn genetic diseases. Last evaluated: 2023-02-15. Review status: criteria provided, single submitter. Criteria: Ambry Variant Classification Scheme 2023. Collection method: clinical testing. Allele origin: germline.
Comment: The p.S737T variant (also known as c.2209T>A), located in coding exon 23 of the ERCC2 gene, results from a T to A substitution at nucleotide position 2209. The serine at codon 737 is replaced by threonine, an amino acid with similar properties. This amino acid position is conserved. In addition, the in silico prediction for this alteration is inconclusive. Since supporting evidence is limited at this time, the clinical significance of this alteration remains unclear.